The following is an entry in ClinVar:

NR_002756.2(RNU5A-1):n.73C>T

Gene: RNU5A-1 (RNA, U5A small nuclear 1; plus strand). Cytogenetic location: 15q22.31.
Variant type: single nucleotide variant.
Molecular consequence: non-coding transcript variant (on NR_002756.2).
Genome position: GRCh38 VCF-style: chr15-65296123-C-T. GRCh37 (hg19) VCF-style: chr15-65588461-C-T.
Identifiers: ClinVar variation 3770182 (VCV003770182.1).

ClinVar aggregate classification (germline): Uncertain significance (1 of 4 stars; one submission).

gnomAD v4.1: 5 of 152,156 alleles (0.0033%); highest among the groups gnomAD compares: East Asian, 0.019%; no homozygotes.

Submission:

Institute for Human Genetics, University Hospital Essen
Classification: Uncertain significance. Last evaluated: 2005-03-05. Review status: criteria provided, single submitter. Criteria: ACMG Guidelines, 2015. Collection method: clinical testing. Allele origin: de novo. Affected: yes.
Comment: PM2_supp, PS2